The following is an entry in ClinVar:

NM_000722.4(CACNA2D1):c.1965C>T (p.Cys655=)

Gene: CACNA2D1 (calcium voltage-gated channel auxiliary subunit alpha2delta 1; minus strand). Cytogenetic location: 7q21.11.
Variant type: single nucleotide variant.
Coding change: c.1965C>T on transcript NM_000722.4 (MANE Select); coding-DNA position 1965, C replaced by T.
Protein change: p.Cys655=; no amino-acid change (cysteine 655 retained).
Molecular consequence: synonymous variant.
Genome position (GRCh38, 1-based): chr7:81,974,543, G>A on the plus strand (C>T on the coding strand, the complement: CACNA2D1 is on the minus strand). VCF-style: chr7-81974543-G-A. GRCh37 (hg19) VCF-style: chr7-81603859-G-A.
Other names: p.Cys655=; c.2001C>T, p.Cys667= (NM_001366867.1).
Identifiers: ClinVar variation 1102946 (VCV001102946.13), dbSNP rs184261698, ClinGen allele CA4317790.

ClinVar aggregate classification (germline): Likely benign. Review status: criteria provided, multiple submitters, no conflicts (2 of 4 stars). 4 submissions from 4 submitters: Likely benign (4). Last evaluated 2026-01-28.

Conditions:
Cardiovascular phenotype. Identifiers: MedGen CN230736.
Brugada syndrome. Also called: Sudden unexpected nocturnal death syndrome; Sudden Unexplained Death Syndrome; Sudden Unexplained Nocturnal Death Syndrome (SUNDS); Sudden unexplained nocturnal death syndrome. Identifiers: Orphanet 130, MedGen C1142166, MONDO:0015263.

Allele frequency attached by ClinVar (database versions not stated): ExAC 0.00009; gnomAD exomes 0.00009; 1000 Genomes Project 30x 0.00031; ESP Exome Variant Server 0.00031; gnomAD 0.00039 and 0.00041; 1000 Genomes Project 0.00040; TOPMed 0.00044.
gnomAD v4.1: 109 of 1,505,404 alleles (0.0072%); highest among the groups gnomAD compares: African/African-American, 0.11%; 1 homozygote.

Submissions (4):

Labcorp Genetics (formerly Invitae), Labcorp
Classification: Likely benign for Brugada syndrome. Last evaluated: 2026-01-28. Review status: criteria provided, single submitter. Criteria: Invitae Variant Classification Sherloc (09022015). Collection method: clinical testing. Allele origin: germline.

Mayo Clinic Laboratories, Mayo Clinic
Classification: Likely benign. Last evaluated: 2025-10-15. Review status: criteria provided, single submitter. Criteria: ACMG Guidelines, 2015. Collection method: clinical testing. Allele origin: germline. Observed: 1 variant allele.
Comment: BP4, BP7

GeneDx
Classification: Likely benign. Last evaluated: 2020-11-25. Review status: criteria provided, single submitter. Criteria: GeneDx Variant Classification Process June 2021. Collection method: clinical testing. Allele origin: germline. Affected: yes.

Ambry Genetics
Classification: Likely benign for Cardiovascular phenotype. Last evaluated: 2019-04-25. Review status: criteria provided, single submitter. Criteria: Ambry Variant Classification Scheme 2023. Collection method: clinical testing. Allele origin: germline.